The following is an entry in ClinVar:

ClinVar aggregate classification (germline): Conflicting classifications of pathogenicity. Review status: criteria provided, conflicting classifications (1 of 4 stars). 3 submissions from 3 submitters: Uncertain significance (1); Likely benign (1). 1 of the submissions does not count toward it. Last evaluated 2026-01-24.

Conditions:
ARSA-related disorder. Also called: ARSA-related condition.
Metachromatic leukodystrophy (MLD). Also called: ARSA DEFICIENCY; CEREBROSIDE SULFATASE DEFICIENCY; Arylsulfatase A Deficiency; SULFATIDE LIPIDOSIS; Cerebral sclerosis diffuse metachromatic form; METACHROMATIC LEUKOENCEPHALOPATHY. Identifiers: Orphanet 512, MedGen C0023522, MONDO:0018868, OMIM 250100.

Allele frequency attached by ClinVar (database versions not stated): gnomAD below 0.00001 and 0.00001; gnomAD exomes 0.00002 and 0.00004; ExAC 0.00004.
gnomAD v4.1: 29 of 1,606,742 alleles (0.0018%); highest among the groups gnomAD compares: South Asian, 0.024%; no homozygotes.

Submissions (3):

Labcorp Genetics (formerly Invitae), Labcorp
Classification: Likely benign for Metachromatic leukodystrophy. Last evaluated: 2026-01-24. Review status: criteria provided, single submitter. Criteria: Invitae Variant Classification Sherloc (09022015). Collection method: clinical testing. Allele origin: germline.

Eurofins Ntd Llc (ga)
Classification: Uncertain significance. Last evaluated: 2016-10-27. Review status: criteria provided, single submitter. Criteria: EGL Classification Definitions 2015. Collection method: clinical testing. Allele origin: germline. Observed: 1 variant allele, 1 heterozygote.

PreventionGenetics, part of Exact Sciences
Classification: Likely benign for ARSA-related condition. Last evaluated: 2019-04-05. Review status: no assertion criteria provided. Collection method: clinical testing. Allele origin: germline. Not counted in ClinVar's aggregate classification.
Comment: This variant is classified as likely benign based on ACMG/AMP sequence variant interpretation guidelines (Richards et al. 2015 PMID: 25741868, with internal and published modifications).

NM_000487.6(ARSA):c.1211-10C>T

Gene: ARSA (arylsulfatase A; minus strand). Cytogenetic location: 22q13.33.
Variant type: single nucleotide variant.
Coding change: c.1211-10C>T on transcript NM_000487.6 (MANE Select); 10 bases into the intron before coding-DNA position 1211, C replaced by T.
Molecular consequence: intron variant.
Genome position (GRCh38, 1-based): chr22:50,625,474, G>A on the plus strand (C>T on the coding strand, the complement: ARSA is on the minus strand). VCF-style: chr22-50625474-G-A. GRCh37 (hg19) VCF-style: chr22-51063902-G-A.
Other names: c.953-10C>T (NM_001362782.2, NM_001085428.3); c.1211-10C>T (NM_001085427.3, NM_001085426.3, NM_001085425.3).
Identifiers: ClinVar variation 93119 (VCV000093119.17), dbSNP rs398123413, ClinGen allele CA220986.